The following is an entry in ClinVar:

NM_018433.6(KDM3A):c.1560C>T (p.Leu520=)

Gene: KDM3A (lysine demethylase 3A; plus strand). Cytogenetic location: 2p11.2.
Variant type: single nucleotide variant.
Coding change: c.1560C>T on transcript NM_018433.6 (MANE Select); coding-DNA position 1560, C replaced by T.
Protein change: p.Leu520=; no amino-acid change (leucine 520 retained).
Molecular consequence: synonymous variant.
Genome position (GRCh38, 1-based): chr2:86,470,244, C>T. VCF-style: chr2-86470244-C-T. GRCh37 (hg19) VCF-style: chr2-86697367-C-T.
Other names: c.1560C>T, p.Leu520= (NM_001146688.2).
Identifiers: ClinVar variation 3040870 (VCV003040870.2), dbSNP rs189936092, ClinGen allele CA1749420.

ClinVar aggregate classification (germline): Benign (0 of 4 stars; one submission).

Conditions:
KDM3A-related disorder. Also called: KDM3A-related condition.

Allele frequency attached by ClinVar (database versions not stated): gnomAD exomes 0.00047; gnomAD 0.00050; TOPMed 0.00057; ExAC 0.00095; 1000 Genomes Project 30x 0.00219; 1000 Genomes Project 0.00280.

Submission:

PreventionGenetics, part of Exact Sciences
Classification: Benign for KDM3A-related condition. Last evaluated: 2019-09-10. Review status: no assertion criteria provided. Collection method: clinical testing. Allele origin: germline.
Comment: This variant is classified as benign based on ACMG/AMP sequence variant interpretation guidelines (Richards et al. 2015 PMID: 25741868, with internal and published modifications).